The following is an entry in ClinVar:

ClinVar aggregate classification (germline): Pathogenic. Review status: criteria provided, multiple submitters, no conflicts (2 of 4 stars). 3 submissions from 3 submitters: Pathogenic (3). Last evaluated 2025-09-25.

Conditions:
Citrin deficiency. Identifiers: Orphanet 247582, MedGen C1997910, MONDO:0016602.
Citrullinemia. Identifiers: Orphanet 187, MedGen C0175683, MONDO:0015991.

Allele frequency attached by ClinVar (database versions not stated): gnomAD exomes below 0.00001.

Submissions (3):

Dasa
Classification: Pathogenic. Last evaluated: 2025-09-25. Review status: criteria provided, single submitter. Criteria: DASA Assertion Criteria. Collection method: clinical testing. Allele origin: germline.
Comment: NM_014251.3(SLC25A13):c.1712del (p.Arg571Leufs*25) introduces a premature termination codon predicted to result in loss of normal protein function. Loss-of-function is an established mechanism of disease for this gene. This variant has been reported in an affected individual with related phenotype in a genotype context consistent with recessive disease (PMID: 31450232). The variant is present at low frequency in population datasets. Based on the available data, this variant is classified as pathogenic.

Natera, Inc.
Classification: Pathogenic for Citrullinemia. Last evaluated: 2024-09-26. Review status: criteria provided, single submitter. Criteria: Natera Variant Classification Schema (03/2026). Collection method: clinical testing. Allele origin: germline.
Comment: The c.1712del variant in SLC25A13 is a frameshift variant predicted to shift the reading frame beginning at codon 571 and leads to a stop codon 25 codons downstream. This variant is expected to result in nonsense mediated decay, truncation, or a dysfunctional protein product. This variant is rare in the general population with a frequency below the threshold expected for the associated phenotype(s). This variant has been observed in one or more individuals affected with the associated recessive disease, as either homozygous or compound heterozygous with a second variant (PMID: 31450232). Given the available evidence, this variant is classified as Pathogenic.

Labcorp Genetics (formerly Invitae), Labcorp
Classification: Pathogenic for Citrin deficiency. Last evaluated: 2016-12-13. Review status: criteria provided, single submitter. Criteria: Invitae Variant Classification Sherloc (09022015). Collection method: clinical testing. Allele origin: germline.
Comment: This sequence change deletes 1 nucleotide from exon 16 of the SLC25A13 mRNA (c.1712delG), causing a frameshift at codon 571. This creates a premature translational stop signal (p.Arg571Leufs*25) and is expected to result in an absent or disrupted protein product. While this particular variant has not been reported in the literature, loss-of-function variants in SLC25A13 are known to be pathogenic (PMID: 14680984). For these reasons, this variant has been classified as Pathogenic.

Literature cited by the submitters: PubMed 31450232 (cited by Dasa and Natera, Inc.).

NM_014251.3(SLC25A13):c.1712del (p.Arg571fs)

Gene: SLC25A13 (solute carrier family 25 member 13; minus strand). Cytogenetic location: 7q21.3.
Variant type: Deletion.
Coding change: c.1712del on transcript NM_014251.3 (MANE Select); coding-DNA position 1712, one base deleted (G; older notation c.1712delG).
Protein change: p.Arg571fs; shifts the reading frame from arginine 571.
Molecular consequence: frameshift variant. On other transcripts: non-coding transcript variant (1).
Genome position (GRCh38, 1-based): chr7:96,121,877, C deleted on the plus strand (G on the coding strand, the reverse complement: SLC25A13 is on the minus strand). VCF-style (leftmost placement, unchanged base first): chr7-96121876-AC-A. GRCh37 (hg19) VCF-style: chr7-95751188-AC-A.
Other names: c.1715del, p.Arg572fs (NM_001160210.2); c.1712del (NM_014251.2); c.1712delG (NM_014251.2); short protein forms R572fs, R571fs.
Identifiers: ClinVar variation 469032 (VCV000469032.3), dbSNP rs1554335461, ClinGen allele CA658657696.